The following is an entry in ClinVar:

NM_002582.4(PARN):c.718G>A (p.Val240Ile)

Gene: PARN (poly(A)-specific ribonuclease; minus strand). Cytogenetic location: 16p13.12.
Variant type: single nucleotide variant.
Coding change: c.718G>A on transcript NM_002582.4 (MANE Select); coding-DNA position 718, G replaced by A.
Protein change: p.Val240Ile; replaces valine 240 with isoleucine.
Molecular consequence: missense variant.
Genome position (GRCh38, 1-based): chr16:14,604,211, C>T on the plus strand (G>A on the coding strand, the complement: PARN is on the minus strand). VCF-style: chr16-14604211-C-T. GRCh37 (hg19) VCF-style: chr16-14698068-C-T.
Other names: c.535G>A, p.Val179Ile (NM_001134477.3); c.580G>A, p.Val194Ile (NM_001242992.2); c.718G>A (NM_002582.3); short protein forms V179I, V194I, V240I.
Identifiers: ClinVar variation 2165605 (VCV002165605.5), dbSNP rs2508227797, ClinGen allele CA394807875.

ClinVar aggregate classification (germline): Uncertain significance. Review status: criteria provided, multiple submitters, no conflicts (2 of 4 stars). 2 submissions from 2 submitters: Uncertain significance (2). Last evaluated 2025-08-10.

Conditions:
Dyskeratosis congenita, autosomal recessive 6 (DKCB6). Identifiers: MedGen C4225356, MONDO:0014600, OMIM 616353.
Pulmonary fibrosis and/or bone marrow failure, Telomere-related, 4. Also called: PULMONARY FIBROSIS AND/OR BONE MARROW FAILURE SYNDROME, TELOMERE-RELATED, 4. Identifiers: Orphanet 2032, MedGen C4225347, MONDO:0014612, OMIM 616371.
Inborn genetic diseases. Identifiers: MedGen C0950123, MeSH D030342.

Allele frequency attached by ClinVar (database versions not stated): gnomAD exomes below 0.00001.
gnomAD v4.1: 2 of 1,587,480 alleles (0.00013%); highest among the groups gnomAD compares: Admixed American, 0.0018%; no homozygotes.

Submissions (2):

Ambry Genetics
Classification: Uncertain significance for Inborn genetic diseases. Last evaluated: 2025-08-10. Review status: criteria provided, single submitter. Criteria: Ambry Variant Classification Scheme 2023. Collection method: clinical testing. Allele origin: germline.

Labcorp Genetics (formerly Invitae), Labcorp
Classification: Uncertain significance for Dyskeratosis congenita, autosomal recessive 6; Pulmonary fibrosis and/or bone marrow failure, Telomere-related, 4. Last evaluated: 2024-12-03. Review status: criteria provided, single submitter. Criteria: Invitae Variant Classification Sherloc (09022015). Collection method: clinical testing. Allele origin: germline.
Comment: This sequence change replaces valine, which is neutral and non-polar, with isoleucine, which is neutral and non-polar, at codon 240 of the PARN protein (p.Val240Ile). This variant is not present in population databases (gnomAD no frequency). This variant has not been reported in the literature in individuals affected with PARN-related conditions. ClinVar contains an entry for this variant (Variation ID: 2165605). Invitae Evidence Modeling of protein sequence and biophysical properties (such as structural, functional, and spatial information, amino acid conservation, physicochemical variation, residue mobility, and thermodynamic stability) indicates that this missense variant is not expected to disrupt PARN protein function with a negative predictive value of 80%. In summary, the available evidence is currently insufficient to determine the role of this variant in disease. Therefore, it has been classified as a Variant of Uncertain Significance.